The following is an entry in ClinVar:

NM_004186.5(SEMA3F):c.1814-10C>A

Gene: SEMA3F (semaphorin 3F; plus strand). Cytogenetic location: 3p21.31.
Variant type: single nucleotide variant.
Coding change: c.1814-10C>A on transcript NM_004186.5 (MANE Select); 10 bases into the intron before coding-DNA position 1814, C replaced by A.
Molecular consequence: intron variant.
Genome position (GRCh38, 1-based): chr3:50,186,603, C>A. VCF-style: chr3-50186603-C-A. GRCh37 (hg19) VCF-style: chr3-50224036-C-A.
Other names: c.1517-10C>A (NM_001318798.2); c.1721-10C>A (NM_001318800.2).
Identifiers: ClinVar variation 4995379 (VCV004995379.1).

ClinVar aggregate classification (germline): Likely benign (1 of 4 stars; one submission).

Conditions:
SEMA3F-related disorder. Also called: SEMA3F-related condition.

gnomAD v4.1: 2 of 1,583,448 alleles (0.00013%); highest among the groups gnomAD compares: Non-Finnish European, 0.00017%; no homozygotes.

Submission:

PreventionGenetics, part of Exact Sciences
Classification: Likely benign for SEMA3F-related condition. Last evaluated: 2025-12-08. Review status: criteria provided, single submitter. Criteria: ACMG Guidelines, 2015. Collection method: clinical testing. Allele origin: germline.
Comment: This variant is classified as likely benign based on ACMG/AMP sequence variant interpretation guidelines (Richards et al. 2015 PMID: 25741868, with internal and published modifications).